The following is an entry in ClinVar:

ClinVar aggregate classification (germline): Uncertain significance. Review status: criteria provided, multiple submitters, no conflicts (2 of 4 stars). 2 submissions from 2 submitters: Uncertain significance (2). Last evaluated 2026-09-02.

Conditions:
Inborn genetic diseases. Identifiers: MedGen C0950123, MeSH D030342.

Submissions (2):

Ambry Genetics
Classification: Uncertain significance for Inborn genetic diseases. Last evaluated: 2026-09-02. Review status: criteria provided, single submitter. Criteria: Ambry Variant Classification Scheme 2023. Collection method: clinical testing. Allele origin: germline.
Comment: The p.E524G variant (also known as c.1571A>G), located in coding exon 9 of the FANCM gene, results from an A to G substitution at nucleotide position 1571. The glutamic acid at codon 524 is replaced by glycine, an amino acid with similar properties. This amino acid position is conserved. In addition, the in silico prediction for this alteration is inconclusive. Based on the available evidence, the clinical significance of this variant remains unclear.

Mendelics
Classification: Uncertain significance. Last evaluated: 2022-05-04. Review status: criteria provided, single submitter. Criteria: Mendelics Assertion Criteria 2019. Collection method: clinical testing. Allele origin: germline.

NM_020937.4(FANCM):c.1571A>G (p.Glu524Gly)

Gene: FANCM (FA complementation group M; plus strand). Cytogenetic location: 14q21.2.
Variant type: single nucleotide variant.
Coding change: c.1571A>G on transcript NM_020937.4 (MANE Select); coding-DNA position 1571, A replaced by G.
Protein change: p.Glu524Gly; replaces glutamic acid 524 with glycine.
Molecular consequence: missense variant.
Genome position (GRCh38, 1-based): chr14:45,159,270, A>G. VCF-style: chr14-45159270-A-G. GRCh37 (hg19) VCF-style: chr14-45628473-A-G.
Other names: c.1571A>G (NM_020937.2); c.1493A>G, p.Glu498Gly (NM_001308133.2); c.1571A>G, p.Glu524Gly (NM_001308134.2); short protein forms E498G, E524G.
Identifiers: ClinVar variation 1684728 (VCV001684728.2), dbSNP rs2139187033, ClinGen allele CA389592736.